The following is an entry in ClinVar:

NM_001386298.1(CIC):c.6954G>A (p.Ser2318=)

Gene: CIC (capicua transcriptional repressor; plus strand). Cytogenetic location: 19q13.2.
Variant type: single nucleotide variant.
Coding change: c.6954G>A on transcript NM_001386298.1 (MANE Select); coding-DNA position 6954, G replaced by A.
Protein change: p.Ser2318=; no amino-acid change (serine 2318 retained).
Molecular consequence: synonymous variant.
Genome position (GRCh38, 1-based): chr19:42,294,204, G>A. VCF-style: chr19-42294204-G-A. GRCh37 (hg19) VCF-style: chr19-42798356-G-A.
Other names: c.4227G>A, p.Ser1409= (NM_015125.5, NM_001379484.1); c.6954G>A, p.Ser2318= (NM_001304815.2); c.6951G>A, p.Ser2317= (NM_001379480.1, NM_001379482.1, NM_001379483.1); c.4224G>A, p.Ser1408= (NM_001379485.1).
Identifiers: ClinVar variation 2650016 (VCV002650016.24), dbSNP rs756293865, ClinGen allele CA308635719.

ClinVar aggregate classification (germline): Likely benign (1 of 4 stars; one submission).

Allele frequency attached by ClinVar (database versions not stated): gnomAD 0.00004; gnomAD exomes 0.00004; TOPMed 0.00005.
gnomAD v4.1: 70 of 1,613,616 alleles (0.0043%); highest among the groups gnomAD compares: Non-Finnish European, 0.0044%; no homozygotes.

Submission:

CeGaT Center for Human Genetics Tuebingen
Classification: Likely benign. Last evaluated: 2025-09-01. Review status: criteria provided, single submitter. Criteria: CeGaT Center For Human Genetics Tuebingen Variant Classification Criteria Version 2. Collection method: clinical testing. Allele origin: germline. Affected: yes. Observed: 2 variant alleles.
Comment: CIC: BP4, BP7